The following is an entry in ClinVar:

NM_001987.5(ETV6):c.672C>G (p.His224Gln)

Gene: ETV6 (ETS variant transcription factor 6; plus strand). Cytogenetic location: 12p13.2.
Variant type: single nucleotide variant.
Coding change: c.672C>G on transcript NM_001987.5 (MANE Select); coding-DNA position 672, C replaced by G.
Protein change: p.His224Gln; replaces histidine 224 with glutamine.
Molecular consequence: missense variant.
Genome position (GRCh38, 1-based): chr12:11,869,632, C>G. VCF-style: chr12-11869632-C-G. GRCh37 (hg19) VCF-style: chr12-12022566-C-G.
Other names: c.669C>G, p.His223Gln (NM_001413913.1); c.645C>G, p.His215Gln (NM_001413914.1); c.408C>G, p.His136Gln (NM_001413915.1); c.672C>G, p.His224Gln (NM_001413916.1, NM_001413917.1); short protein forms H136Q, H224Q, H215Q, H223Q.
Identifiers: ClinVar variation 1903544 (VCV001903544.8), dbSNP rs781065435, ClinGen allele CA6454316.

ClinVar aggregate classification (germline): Conflicting classifications of pathogenicity. Review status: criteria provided, conflicting classifications (1 of 4 stars). 4 submissions from 4 submitters: Uncertain significance (2); Likely benign (2). Last evaluated 2025-10-21.

Conditions:
Inborn genetic diseases. Identifiers: MedGen C0950123, MeSH D030342.

Allele frequency attached by ClinVar (database versions not stated): ExAC 0.00003; gnomAD 0.00003; TOPMed 0.00003.
gnomAD v4.1: 38 of 1,614,092 alleles (0.0024%); highest among the groups gnomAD compares: Non-Finnish European, 0.0031%; no homozygotes.

Submissions (4):

Labcorp Genetics (formerly Invitae), Labcorp
Classification: Uncertain significance. Last evaluated: 2025-10-21. Review status: criteria provided, single submitter. Criteria: Invitae Variant Classification Sherloc (09022015). Collection method: clinical testing. Allele origin: germline.
Comment: This sequence change replaces histidine, which is basic and polar, with glutamine, which is neutral and polar, at codon 224 of the ETV6 protein (p.His224Gln). This variant is present in population databases (rs781065435, gnomAD 0.006%). This variant has not been reported in the literature in individuals affected with ETV6-related conditions. ClinVar contains an entry for this variant (Variation ID: 1903544). Invitae Evidence Modeling of protein sequence and biophysical properties (such as structural, functional, and spatial information, amino acid conservation, physicochemical variation, residue mobility, and thermodynamic stability) indicates that this missense variant is not expected to disrupt ETV6 protein function with a negative predictive value of 80%. In summary, the available evidence is currently insufficient to determine the role of this variant in disease. Therefore, it has been classified as a Variant of Uncertain Significance.

Ambry Genetics
Classification: Likely benign for Inborn genetic diseases. Last evaluated: 2025-02-17. Review status: criteria provided, single submitter. Criteria: Ambry Variant Classification Scheme 2023. Collection method: clinical testing. Allele origin: germline.

Blueprint Genetics
Classification: Likely benign. Last evaluated: 2024-09-17. Review status: criteria provided, single submitter. Criteria: ACMG Guidelines, 2015. Collection method: clinical testing. Allele origin: germline.

GeneDx
Classification: Uncertain significance. Last evaluated: 2023-05-09. Review status: criteria provided, single submitter. Criteria: GeneDx Variant Classification Process June 2021. Collection method: clinical testing. Allele origin: germline. Affected: yes.
Comment: In silico analysis supports that this missense variant does not alter protein structure/function; Published functional studies suggest no damaging effect: protein repression ability similar to wildtype (Faleschini et al., 2022); This variant is associated with the following publications: (PMID: 35586967)